The following is an entry in ClinVar:

NM_177438.3(DICER1):c.1130T>C (p.Val377Ala)

Gene: DICER1 (dicer 1, ribonuclease III; minus strand). Cytogenetic location: 14q32.13.
Variant type: single nucleotide variant.
Coding change: c.1130T>C on transcript NM_177438.3 (MANE Select); coding-DNA position 1130, T replaced by C.
Protein change: p.Val377Ala; replaces valine 377 with alanine.
Molecular consequence: missense variant. On other transcripts: non-coding transcript variant (6), 5 prime UTR variant (1).
Genome position (GRCh38, 1-based): chr14:95,124,442, A>G on the plus strand (T>C on the coding strand, the complement: DICER1 is on the minus strand). VCF-style: chr14-95124442-A-G. GRCh37 (hg19) VCF-style: chr14-95590779-A-G.
Other names: c.1130T>C, p.Val377Ala (NM_001195573.1, NM_001271282.3, NM_001291628.2 and 15 more transcripts); c.563T>C, p.Val188Ala (NM_001395691.1); c.725T>C, p.Val242Ala (NM_001395696.1, NM_001395698.1, NM_001395687.1 and 3 more transcripts); c.-439T>C (NM_001395697.1); c.848T>C, p.Val283Ala (NM_001395686.1); short protein forms V377A, V188A, V242A, V283A.
Identifiers: ClinVar variation 2865052 (VCV002865052.3), dbSNP rs1390995232, ClinGen allele CA390886896.

ClinVar aggregate classification (germline): Uncertain significance (1 of 4 stars; one submission).

Conditions:
DICER1-related tumor predisposition. Also called: DICER1-related pleuropulmonary blastoma cancer predisposition syndrome; DICER1 syndrome. Identifiers: Orphanet 284343, MedGen C3839822, MONDO:0100216.

Allele frequency attached by ClinVar (database versions not stated): gnomAD exomes below 0.00001.
gnomAD v4.1: 1 of 1,614,150 alleles (0.000062%); highest among the groups gnomAD compares: Non-Finnish European, 0.000085%; no homozygotes.

Submission:

Labcorp Genetics (formerly Invitae), Labcorp
Classification: Uncertain significance for DICER1-related tumor predisposition. Last evaluated: 2023-05-16. Review status: criteria provided, single submitter. Criteria: Invitae Variant Classification Sherloc (09022015). Collection method: clinical testing. Allele origin: germline.
Comment: In summary, the available evidence is currently insufficient to determine the role of this variant in disease. Therefore, it has been classified as a Variant of Uncertain Significance. Advanced modeling of protein sequence and biophysical properties (such as structural, functional, and spatial information, amino acid conservation, physicochemical variation, residue mobility, and thermodynamic stability) has been performed at Invitae for this missense variant, however the output from this modeling did not meet the statistical confidence thresholds required to predict the impact of this variant on DICER1 protein function. This variant has not been reported in the literature in individuals affected with DICER1-related conditions. This variant is present in population databases (no rsID available, gnomAD 0.0009%). This sequence change replaces valine, which is neutral and non-polar, with alanine, which is neutral and non-polar, at codon 377 of the DICER1 protein (p.Val377Ala).